The following is an entry in ClinVar:

NM_014270.5(SLC7A9):c.501dup (p.Leu168fs)

Gene: SLC7A9 (solute carrier family 7 member 9; minus strand). Cytogenetic location: 19q13.11.
Variant type: Duplication.
Coding change: c.501dup on transcript NM_014270.5 (MANE Select); coding-DNA position 501, one base duplicated (A; older notation c.501dupA).
Protein change: p.Leu168fs; shifts the reading frame from leucine 168.
Molecular consequence: frameshift variant.
Genome position (GRCh38, 1-based): chr19:32,862,564, T duplicated on the plus strand (A on the coding strand, the reverse complement: SLC7A9 is on the minus strand). VCF-style (leftmost placement, unchanged base first): chr19-32862563-G-GT. GRCh37 (hg19) VCF-style: chr19-33353469-G-GT.
Other names: c.501dup, p.Leu168fs (NM_001126335.2, NM_001243036.2); short protein forms L168fs.
Identifiers: ClinVar variation 1071621 (VCV001071621.7), dbSNP rs2145843027, ClinGen allele CA2499225432.

ClinVar aggregate classification (germline): Pathogenic (1 of 4 stars; one submission).

Submission:

Labcorp Genetics (formerly Invitae), Labcorp
Classification: Pathogenic. Last evaluated: 2020-02-18. Review status: criteria provided, single submitter. Criteria: Invitae Variant Classification Sherloc (09022015). Collection method: clinical testing. Allele origin: germline.
Comment: This sequence change creates a premature translational stop signal (p.Leu168Thrfs*41) in the SLC7A9 gene. It is expected to result in an absent or disrupted protein product. This variant is not present in population databases (ExAC no frequency). This variant has not been reported in the literature in individuals with SLC7A9-related conditions. Loss-of-function variants in SLC7A9 are known to be pathogenic (PMID: 11157794, 16838140, 25296721). For these reasons, this variant has been classified as Pathogenic.

Literature cited by the submitters: PubMed 11157794; PubMed 16838140; PubMed 25296721.